The following is an entry in ClinVar:

NM_001354483.2(CSGALNACT1):c.921T>C (p.Asn307=)

Gene: CSGALNACT1 (chondroitin sulfate N-acetylgalactosaminyltransferase 1; minus strand). Cytogenetic location: 8p21.3.
Variant type: single nucleotide variant.
Coding change: c.921T>C on transcript NM_001354483.2 (MANE Select); coding-DNA position 921, T replaced by C.
Protein change: p.Asn307=; no amino-acid change (asparagine 307 retained).
Molecular consequence: synonymous variant. On other transcripts: non-coding transcript variant (7).
Genome position (GRCh38, 1-based): chr8:19,439,862, A>G on the plus strand (T>C on the coding strand, the complement: CSGALNACT1 is on the minus strand). VCF-style: chr8-19439862-A-G. GRCh37 (hg19) VCF-style: chr8-19297373-A-G.
Other names: c.921T>C (NM_001130518.1); c.921T>C, p.Asn307= (NM_001130518.2, NM_001354475.2, NM_001354476.2 and 18 more transcripts).
Identifiers: ClinVar variation 1557437 (VCV001557437.9), dbSNP rs190375390, ClinGen allele CA4653977.

ClinVar aggregate classification (germline): Likely benign. Review status: criteria provided, multiple submitters, no conflicts (2 of 4 stars). 2 submissions from 2 submitters: Likely benign (2). Last evaluated 2025-12-24.

Conditions:
CSGALNACT1-related disorder. Also called: CSGALNACT1-related condition.

Allele frequency attached by ClinVar (database versions not stated): ExAC 0.00002; gnomAD exomes 0.00002; gnomAD 0.00019; TOPMed 0.00034; 1000 Genomes Project 0.00040; 1000 Genomes Project 30x 0.00062.
gnomAD v4.1: 43 of 1,614,108 alleles (0.0027%); highest among the groups gnomAD compares: Admixed American, 0.057%; no homozygotes.

Submissions (2):

Labcorp Genetics (formerly Invitae), Labcorp
Classification: Likely benign. Last evaluated: 2025-12-24. Review status: criteria provided, single submitter. Criteria: Invitae Variant Classification Sherloc (09022015). Collection method: clinical testing. Allele origin: germline.

PreventionGenetics, part of Exact Sciences
Classification: Likely benign for CSGALNACT1-related condition. Last evaluated: 2025-06-16. Review status: criteria provided, single submitter. Criteria: ACMG Guidelines, 2015. Collection method: clinical testing. Allele origin: germline.
Comment: This variant is classified as likely benign based on ACMG/AMP sequence variant interpretation guidelines (Richards et al. 2015 PMID: 25741868, with internal and published modifications).